The following is an entry in ClinVar:

ClinVar aggregate classification (germline): Pathogenic (1 of 4 stars; one submission).

Conditions:
Epilepsy, familial focal, with variable foci 3 (FFEVF3). Identifiers: MedGen C4310708, MONDO:0014925, OMIM 617118.

Submission:

Labcorp Genetics (formerly Invitae), Labcorp
Classification: Pathogenic for Epilepsy, familial focal, with variable foci 3. Last evaluated: 2023-09-29. Review status: criteria provided, single submitter. Criteria: Invitae Variant Classification Sherloc (09022015). Collection method: clinical testing. Allele origin: germline.
Comment: This sequence change creates a premature translational stop signal (p.Tyr345Serfs*68) in the NPRL3 gene. It is expected to result in an absent or disrupted protein product. Loss-of-function variants in NPRL3 are known to be pathogenic (PMID: 26285051, 26505888). This variant is not present in population databases (gnomAD no frequency). This variant has not been reported in the literature in individuals affected with NPRL3-related conditions. For these reasons, this variant has been classified as Pathogenic.

Literature cited by the submitters: PubMed 26285051; PubMed 26505888.

NM_001077350.3(NPRL3):c.1034del (p.Tyr345fs)

Genes: HBA-LCR (alpha-globin locus control region; plus strand), NPRL3 (NPR3 like, GATOR1 complex subunit; minus strand). Cytogenetic location: 16p13.3.
Variant type: Deletion.
Coding change: c.1034del on transcript NM_001077350.3 (MANE Select); coding-DNA position 1034, one base deleted (A; older notation c.1034delA).
Protein change: p.Tyr345fs; shifts the reading frame from tyrosine 345.
Molecular consequence: frameshift variant.
Genome position (GRCh38, 1-based): chr16:92,723, T deleted on the plus strand (A on the coding strand, the reverse complement: NPRL3 is on the minus strand). VCF-style (leftmost placement, unchanged base first): chr16-92722-GT-G. GRCh37 (hg19) VCF-style: chr16-142720-GT-G.
Other names: c.497del, p.Tyr166fs (NM_001039476.3); c.800del, p.Tyr267fs (NM_001243247.2); c.959del, p.Tyr320fs (NM_001243248.2, NM_001243249.2); short protein forms Y320fs, Y345fs, Y267fs, Y166fs.
Identifiers: ClinVar variation 2764246 (VCV002764246.3), dbSNP rs2542811244, ClinGen allele CA2697549427.